The following is an entry in ClinVar:

ClinVar aggregate classification (germline): Uncertain significance (1 of 4 stars; one submission).

gnomAD v4.1: 6 of 1,611,392 alleles (0.00037%); highest among the groups gnomAD compares: Non-Finnish European, 0.00051%; no homozygotes.

Submission:

Women's Health and Genetics/Laboratory Corporation of America, LabCorp
Classification: Uncertain significance. Last evaluated: 2026-01-12. Review status: criteria provided, single submitter. Criteria: LabCorp Variant Classification Summary - May 2015. Collection method: clinical testing. Allele origin: germline.
Comment: Variant summary: TTN c.29354A>G (p.Tyr9785Cys) results in a non-conservative amino acid change in the encoded protein sequence. Algorithms developed to predict the effect of missense changes on protein structure and function are either unavailable or do not agree on the potential impact of this missense change. The variant allele was found at a frequency of 4e-06 in 247510 control chromosomes. The available data on variant occurrences in the general population are insufficient to allow any conclusion about variant significance. To our knowledge, no occurrence of c.29354A>G in individuals affected with TTN-related conditions and no experimental evidence demonstrating its impact on protein function have been reported. No submitters have cited clinical-significance assessments for this variant to ClinVar. Based on the evidence outlined above, the variant was classified as uncertain significance.

NM_001267550.2(TTN):c.33086A>G (p.Tyr11029Cys)

Gene: TTN (titin; minus strand). Cytogenetic location: 2q31.2.
Variant type: single nucleotide variant.
Coding change: c.33086A>G on transcript NM_001267550.2 (MANE Select); coding-DNA position 33086, A replaced by G.
Protein change: p.Tyr11029Cys; replaces tyrosine 11029 with cysteine.
Molecular consequence: missense variant. On other transcripts: intron variant (3).
Genome position (GRCh38, 1-based): chr2:178,682,705, T>C on the plus strand (A>G on the coding strand, the complement: TTN is on the minus strand). VCF-style: chr2-178682705-T-C. GRCh37 (hg19) VCF-style: chr2-179547432-T-C.
Other names: c.32135A>G, p.Tyr10712Cys (NM_001256850.1); c.29354A>G, p.Tyr9785Cys (NM_133378.4); c.13283-40388A>G (NM_003319.4); c.13859-40388A>G (NM_133437.4); c.13658-40388A>G (NM_133432.3); short protein forms Y10712C, Y11029C, Y9785C.
Identifiers: ClinVar variation 4689491 (VCV004689491.1).